The following is an entry in ClinVar:

ClinVar aggregate classification (germline): Likely benign (1 of 4 stars; one submission).

Conditions:
RAI1-related disorder. Also called: RAI1-related condition.

Submission:

PreventionGenetics, part of Exact Sciences
Classification: Likely benign for RAI1-related condition. Last evaluated: 2026-05-18. Review status: criteria provided, single submitter. Criteria: ACMG Guidelines, 2015. Collection method: clinical testing. Allele origin: germline.
Comment: This variant is classified as likely benign based on ACMG/AMP sequence variant interpretation guidelines (Richards et al. 2015 PMID: 25741868, with internal and published modifications).

NM_030665.4(RAI1):c.3636C>T (p.Ser1212=)

Gene: RAI1 (retinoic acid induced 1; plus strand). Cytogenetic location: 17p11.2.
Variant type: single nucleotide variant.
Coding change: c.3636C>T on transcript NM_030665.4 (MANE Select); coding-DNA position 3636, C replaced by T.
Protein change: p.Ser1212=; no amino-acid change (serine 1212 retained).
Molecular consequence: synonymous variant.
Genome position (GRCh38, 1-based): chr17:17,796,584, C>T. VCF-style: chr17-17796584-C-T. GRCh37 (hg19) VCF-style: chr17-17699898-C-T.
Identifiers: ClinVar variation 4992688 (VCV004992688.1).
Genomic context (GRCh38, chr17:17,796,584, plus strand): 5'-CCCCCAGAAGGAGGGCAGGGTGAGCCAGCGGGCAAGGGTCCCCAAACCTGGTGCAGGCAG[C>T]AAGCTCTCTGACCGGCCCCTCCATGCGCTCAAAAGGAAGTCGGCCTTCATGGCGCCGGTC-3'
Protein context (NP_109590.3, residues 1202-1222): RARVPKPGAG[Ser1212=]KLSDRPLHAL